The following is an entry in ClinVar:

NM_002528.7(NTHL1):c.88C>G (p.Pro30Ala)

Gene: NTHL1 (nth like DNA glycosylase 1; minus strand). Cytogenetic location: 16p13.3.
Variant type: single nucleotide variant.
Coding change: c.88C>G on transcript NM_002528.7 (MANE Select); coding-DNA position 88, C replaced by G.
Protein change: p.Pro30Ala; replaces proline 30 with alanine.
Molecular consequence: missense variant. On other transcripts: 5 prime UTR variant (1).
Genome position (GRCh38, 1-based): chr16:2,047,736, G>C on the plus strand (C>G on the coding strand, the complement: NTHL1 is on the minus strand). VCF-style: chr16-2047736-G-C. GRCh37 (hg19) VCF-style: chr16-2097737-G-C.
Other names: c.88C>G, p.Pro30Ala (NM_001318193.2); c.-91C>G (NM_001318194.2); short protein forms P30A.
Identifiers: ClinVar variation 850308 (VCV000850308.13), dbSNP rs541004726, ClinGen allele CA027398.
Genomic context (GRCh38, chr16:2,047,736, plus strand): 5'-TCCTCCCACGCTCCAGCCACGGCGCGGCGCTACCTGCTGCAGCCTCTCTTCTCCGGAGAG[G>C]CCCGGGCTCCTCCCTACACCCCCGCGGCCCAGCCCCGGGTCCCAGGCTCCGGCTCCGGGT-3'
Protein context (NP_002519.2, residues 20-40): GPRGCREEPG[Pro30Ala]LRRREAAAEA

ClinVar aggregate classification (germline): Uncertain significance. Review status: criteria provided, multiple submitters, no conflicts (2 of 4 stars). 2 submissions from 2 submitters: Uncertain significance (2). Last evaluated 2025-02-27.

Conditions:
Hereditary cancer-predisposing syndrome. Also called: Tumor predisposition; Neoplastic Syndromes, Hereditary; Hereditary neoplastic syndrome; Hereditary Cancer Syndrome. Identifiers: Orphanet 140162, MedGen C0027672, MeSH D009386, MONDO:0015356.

Allele frequency attached by ClinVar (database versions not stated): gnomAD exomes below 0.00001 and 0.00001; gnomAD 0.00001 and 0.00002; TOPMed 0.00001; ExAC 0.00003; 1000 Genomes Project 30x 0.00016; 1000 Genomes Project 0.00020.
gnomAD v4.1: 4 of 1,584,918 alleles (0.00025%); highest among the groups gnomAD compares: African/African-American, 0.004%; no homozygotes.

Submissions (2):

Labcorp Genetics (formerly Invitae), Labcorp
Classification: Uncertain significance. Last evaluated: 2025-02-27. Review status: criteria provided, single submitter. Criteria: Invitae Variant Classification Sherloc (09022015). Collection method: clinical testing. Allele origin: germline.
Comment: This sequence change replaces proline, which is neutral and non-polar, with alanine, which is neutral and non-polar, at codon 38 of the NTHL1 protein (p.Pro38Ala). This variant is present in population databases (rs541004726, gnomAD 0.02%). This variant has not been reported in the literature in individuals affected with NTHL1-related conditions. ClinVar contains an entry for this variant (Variation ID: 850308). An algorithm developed to predict the effect of missense changes on protein structure and function (PolyPhen-2) suggests that this variant is likely to be tolerated. In summary, the available evidence is currently insufficient to determine the role of this variant in disease. Therefore, it has been classified as a Variant of Uncertain Significance.

Ambry Genetics
Classification: Uncertain significance for Hereditary cancer-predisposing syndrome. Last evaluated: 2024-09-02. Review status: criteria provided, single submitter. Criteria: Ambry Variant Classification Scheme 2023. Collection method: clinical testing. Allele origin: germline.
Comment: The p.P38A variant (also known as c.112C>G), located in coding exon 1 of the NTHL1 gene, results from a C to G substitution at nucleotide position 112. The proline at codon 38 is replaced by alanine, an amino acid with highly similar properties. This amino acid position is conserved. In addition, this alteration is predicted to be tolerated by in silico analysis. Since supporting evidence is limited at this time, the clinical significance of this alteration remains unclear.